The following is an entry in ClinVar:

NM_000297.4(PKD2):c.2159dup (p.Asn720fs)

Gene: PKD2 (polycystin 2, transient receptor potential cation channel; plus strand). Cytogenetic location: 4q22.1.
Variant type: Duplication.
Coding change: c.2159dup on transcript NM_000297.4 (MANE Select); coding-DNA position 2159, one base duplicated (A; older notation c.2159dupA).
Protein change: p.Asn720fs; shifts the reading frame from asparagine 720.
Molecular consequence: frameshift variant. On other transcripts: non-coding transcript variant (1).
Genome position (GRCh38, 1-based): chr4:88,065,414, A duplicated; the last of 8 consecutive A bases (chr4:88,065,407-88,065,414); duplicating any one gives the same sequence. VCF-style (leftmost placement, unchanged base first): chr4-88065406-G-GA. GRCh37 (hg19) VCF-style: chr4-88986558-G-GA.
Other names: c.2159dupA (NM_000297.3, NM_000297.4); short protein forms N720fs.
Identifiers: ClinVar variation 13522 (VCV000013522.30), dbSNP rs757757289, ClinGen allele CA440268375.

ClinVar aggregate classification (germline): Pathogenic. Review status: criteria provided, multiple submitters, no conflicts (2 of 4 stars). 14 submissions from 14 submitters: Pathogenic (11). 3 of the submissions do not count toward it. Last evaluated 2026-05-12.

Conditions:
Cystic renal disease.
PKD2-related disorder. Also called: PKD2-related condition.
Inborn genetic diseases. Identifiers: MedGen C0950123, MeSH D030342.
Autosomal dominant polycystic kidney disease. Identifiers: Orphanet 730, MedGen C0085413, MONDO:0004691.
Polycystic kidney disease 2 (PKD2). Also called: Polycystic Kidney Disease 2, Autosomal Dominant; POLYCYSTIC KIDNEY DISEASE 2 WITH OR WITHOUT POLYCYSTIC LIVER DISEASE; POLYCYSTIC KIDNEY DISEASE, ADULT, TYPE II. Identifiers: MedGen C2751306, MONDO:0013131, OMIM 613095.
Polycystic kidney disease. Also called: Kidney, Polycystic; Polycystic kidney dysplasia. Identifiers: MedGen C0022680, MeSH D007690, MONDO:0020642, HP:0000113.

Submissions (14):

PreventionGenetics, part of Exact Sciences
Classification: Pathogenic for PKD2-related condition. Last evaluated: 2026-05-12. Review status: criteria provided, single submitter. Criteria: ACMG Guidelines, 2015. Collection method: clinical testing. Allele origin: germline.
Comment: The PKD2 c.2159dupA variant is predicted to result in a frameshift and premature protein termination (p.Asn720Lysfs*5). This variant has been reported to be pathogenic for autosomal dominant polycystic kidney disease (ADPKD) (see for example, Rossetti et al. 2007. PubMed ID: 17582161; He et al. 2018. PubMed ID: 30333007; Lanktree et al. 2019. PubMed ID: 31317121). This variant is reported in 0.0018% of alleles in individuals of European (Non-Finnish) descent in gnomAD. Frameshift variants in PKD2 are expected to be pathogenic. This variant is interpreted as pathogenic.

Victorian Clinical Genetics Services, Murdoch Childrens Research Institute
Classification: Pathogenic for Polycystic kidney disease 2. Last evaluated: 2026-05-08. Review status: criteria provided, single submitter. Criteria: ACMG Guidelines, 2015. Collection method: clinical testing. Allele origin: germline. Affected: yes.
Comment: This variant is classified as Pathogenic. Evidence in support of pathogenic classification: Variant is predicted to cause nonsense-mediated decay (NMD) and loss of protein (premature termination codon is located at least 54 nucleotides upstream of the final exon-exon junction); Variant is present in gnomAD <0.001 for a dominant condition (v4: 11 heterozygote(s), 0 homozygote(s)); This variant has strong previous evidence of pathogenicity in unrelated individuals. This variant has been classified as pathogenic by multiple clinical laboratories and reported in multiple individuals with polycystic kidney disease (PMID: 9573526, 30333007); Other NMD-predicted variants comparable to the one identified in this case have very strong previous evidence for pathogenicity (DECIPHER). Additional information: This variant is heterozygous; This gene is associated with autosomal dominant disease; Loss of function is a known mechanism of disease in this gene and is associated with polycystic kidney disease 2 (MIM#613095); Inheritance information for this variant is not currently available in this individual.

Genetics Laboratory, Great Ormond Street Hospital NHS Foundation Trust, North Thames Genomic Laboratory Hub
Classification: Pathogenic for Cystic renal disease. Last evaluated: 2025-08-30. Review status: criteria provided, single submitter. Criteria: ACGS Best Practice Guidelines for Variant Classification in Rare Disease 2024 v1.2. Collection method: clinical testing. Allele origin: germline. Affected: yes.
Comment: PS4_moderate, PM2_moderate, PVS1_very-strong

Women's Health and Genetics/Laboratory Corporation of America, LabCorp
Classification: Pathogenic for Polycystic kidney disease 2. Last evaluated: 2025-05-28. Review status: criteria provided, single submitter. Criteria: LabCorp Variant Classification Summary - May 2015. Collection method: clinical testing. Allele origin: germline.
Comment: Variant summary: PKD2 c.2159dupA (p.Asn720LysfsX5) results in a premature termination codon, predicted to cause a truncation of the encoded protein or absence of the protein due to nonsense mediated decay, which are commonly known mechanisms for disease. The variant allele was found at a frequency of 8e-06 in 251126 control chromosomes. c.2159dupA has been observed in individuals affected with Polycystic Kidney Disease 2 (e.g. Cornec-LeGall_2017). These data indicate that the variant is likely to be associated with disease. To our knowledge, no experimental evidence demonstrating an impact on protein function has been reported. The following publication have been ascertained in the context of this evaluation (PMID: 28356211). ClinVar contains an entry for this variant (Variation ID: 13522). Based on the evidence outlined above, the variant was classified as pathogenic.

Fulgent Genetics
Classification: Pathogenic for Polycystic kidney disease 2. Last evaluated: 2024-03-26. Review status: criteria provided, single submitter. Criteria: ACMG Guidelines, 2015. Collection method: clinical testing. Allele origin: germline.

Labcorp Genetics (formerly Invitae), Labcorp
Classification: Pathogenic for Autosomal dominant polycystic kidney disease. Last evaluated: 2023-10-10. Review status: criteria provided, single submitter. Criteria: Invitae Variant Classification Sherloc (09022015). Collection method: clinical testing. Allele origin: germline.
Comment: This sequence change creates a premature translational stop signal (p.Asn720Lysfs*5) in the PKD2 gene. It is expected to result in an absent or disrupted protein product. Loss-of-function variants in PKD2 are known to be pathogenic (PMID: 17582161, 22863349). The frequency data for this variant in the population databases is considered unreliable, as metrics indicate poor data quality at this position in the gnomAD database. This premature translational stop signal has been observed in individual(s) with polycystic kidney disease (PMID: 30333007). ClinVar contains an entry for this variant (Variation ID: 13522). For these reasons, this variant has been classified as Pathogenic.

Blueprint Genetics
Classification: Pathogenic for PKD2-related disorders. Last evaluated: 2023-03-06. Review status: criteria provided, single submitter. Criteria: ACMG Guidelines, 2015. Collection method: clinical testing. Allele origin: germline. Affected: yes. Observed: 3 variant alleles.

GeneDx
Classification: Pathogenic. Last evaluated: 2022-01-11. Review status: criteria provided, single submitter. Criteria: GeneDx Variant Classification Process June 2021. Collection method: clinical testing. Allele origin: germline. Affected: yes.
Comment: Frameshift variant predicted to result in protein truncation or nonsense mediated decay in a gene for which loss-of-function is a known mechanism of disease; Not observed at a significant frequency in large population cohorts (gnomAD); This variant is associated with the following publications: (PMID: 26453610, 22508176, 30333007, 9573526, 30820006, 31317121, 17574468, 12707387, 9773786, 17582161, 31740684, 33437033)

Ambry Genetics
Classification: Pathogenic for Inborn genetic diseases. Last evaluated: 2021-11-24. Review status: criteria provided, single submitter. Criteria: Ambry Variant Classification Scheme 2023. Collection method: clinical testing. Allele origin: germline.
Comment: The c.2159dupA (p.N720Kfs*5) alteration, located in exon 11 (coding exon 11) of the PKD2 gene, consists of a duplication of A at position 2159, causing a translational frameshift with a predicted alternate stop codon after 5 amino acids. This alteration is expected to result in loss of function by premature protein truncation or nonsense-mediated mRNA decay. Based on data from gnomAD, the AA allele has an overall frequency of 0.001% (2/251126) total alleles studied. The highest observed frequency was 0.002% (2/113518) of European (non-Finnish) alleles. This variant has been reported in several patients with autosomal dominant polycystic kidney disease and co-segregated with disease in one large family (Pei, 1998; Rossetti, 2007; He, 2018; Kim, 2019; Lanktree, 2019; Sekine, 2019). Based on the available evidence, this alteration is classified as pathogenic.

Molecular Genetics of Inherited Kidney Disorders Laboratory, Garvan Institute of Medical Research
Classification: Pathogenic for Autosomal dominant polycystic kidney disease. Last evaluated: 2019-01-01. Review status: criteria provided, single submitter. Criteria: ACMG Guidelines, 2015. Collection method: research. Allele origin: germline. Affected: yes.

Juno Genomics, Hangzhou Juno Genomics, Inc
Classification: Pathogenic for Polycystic kidney disease 2. Review status: criteria provided, single submitter. Criteria: ACMG Guidelines, 2015. Collection method: clinical testing. Allele origin: germline. Affected: yes.
Comment: Absent from controls (or at extremely low frequency if recessive) in Genome Aggregation Database, Exome Sequencing Project, 1000 Genomes Project, or Exome Aggregation Consortium.;Null variant in a gene where loss of function (LOF) is a known mechanism of disease.;The prevalence of the variant in affected individuals is significantly increased compared to the prevalence in controls.;Patient's phenotype or family history is highly specific for a disease with a single genetic etiology.

Genetic Services Laboratory, University of Chicago
Classification: Pathogenic. Last evaluated: 2022-08-26. Review status: no assertion criteria provided. Collection method: clinical testing. Allele origin: germline. Affected: yes. Not counted in ClinVar's aggregate classification.
Comment: DNA sequence analysis of the PKD2 gene demonstrated a single base pair duplication in exon 11, c.2159dup. This sequence change results in an amino acid frameshift and creates a premature stop codon 4 amino acids downstream of the change, p.Asn720Lysfs*5. This sequence change is predicted to result in an abnormal transcript, which may be degraded, or may lead to the production of a truncated PKD2 protein with potentially abnormal function. This sequence change has been described in the gnomAD database with a frequency of 0.0008% in the overall population (dbSNP rs757757289). This pathogenic sequence change has previously been described in several individuals with autosomal dominant polycystic kidney disease (PMID: 31740684, 31317121, 33437033, 30820006). This variant was found to segregate with disease in five members of an ADPKD family and was absent from unaffected members of the family (PMID: 9573526). Based on these collective evidences, this sequence change is classified as pathogenic.

OMIM
Classification: Pathogenic for POLYCYSTIC KIDNEY DISEASE 2. Last evaluated: 1998-05-01. Review status: no assertion criteria provided. Collection method: literature only. Allele origin: germline. Not counted in ClinVar's aggregate classification.

Department of Pathology and Laboratory Medicine, Sinai Health System
Classification: Pathogenic for Polycystic Kidney disease. Review status: no assertion criteria provided. Collection method: clinical testing. Allele origin: unknown. Affected: yes. Study: The Canadian Open Genetics Repository (COGR). Not counted in ClinVar's aggregate classification.
Comment: The PKD2 p.Asn720Lysfs*5 variant was identified in 5 of 2800 proband chromosomes (frequency: 0.002) from individuals or families with ADPKD, and was not identified in 400 control chromosomes from healthy individuals (Audrezet 2012, Magistroni 2003, Rossetti 2007). The variant was further identified in the ADPKD Mutation Database as definitely pathogenic. The variant was not identified in dbSNP, the 1000 Genomes, NHLBI Exome Sequencing Projects, the Exome Aggregation Consortium (August 8, 2016), the PKD2-LOVD, Clinvitae, ClinVar and COGR databases. The c.2159dupA variant is predicted to cause a frameshift, which alters the protein amino acid sequence beginning at codon 720 and leads to a premature stop codon 5 codons downstream. This alteration is then predicted to result in a truncated or absent protein and loss of function. Loss of function variants of the PKD2 gene are an established mechanism of disease in autosomal dominant polycystic kidney disease and is the type of variant expected to cause the disorder. In one study the variant was described in a family with PKD and segregated with disease in all family members tested (5 affected individuals were positive and 5 >50year old unaffected individuals were negative). The variant was determined to be causative of ADPKD and to produce a truncated polycystin 2 lacking the EF-hand domain, resulting in a protein that would not bind calcium. Furthermore, the variant is also predicted to produce a truncated protein lacking both the cytoplasmic domains required for polycystin 2 to interact with polycystin 1 and with itself (Pei 1998). In summary, based on the above information, this variant meets our laboratoryâ€šÃ„Ã´s criteria to be classified as pathogenic.

Literature cited by the submitters: PubMed 9573526 (cited by 3 submitters); PubMed 30333007 (cited by 3 submitters); PubMed 28356211 (cited by Women's Health and Genetics/Laboratory Corporation of America, LabCorp); PubMed 17582161 (cited by Labcorp Genetics (formerly Invitae), Labcorp and Ambry Genetics); PubMed 22863349 (cited by Labcorp Genetics (formerly Invitae), Labcorp); PubMed 30820006 (cited by Ambry Genetics); PubMed 31317121 (cited by Ambry Genetics); PubMed 31740684 (cited by Ambry Genetics).